The following is an entry in ClinVar:

ClinVar aggregate classification (germline): Uncertain significance (1 of 4 stars; one submission).

Conditions:
Methylcobalamin deficiency type cblE (HMAE). Also called: HOMOCYSTINURIA-MEGALOBLASTIC ANEMIA, cblE TYPE; VITAMIN B12-RESPONSIVE HOMOCYSTINURIA, cblE TYPE; HOMOCYSTINURIA-MEGALOBLASTIC ANEMIA, cblE COMPLEMENTATION TYPE. Identifiers: Orphanet 2169, Orphanet 622, MedGen C1856057, MONDO:0009354, OMIM 236270.

gnomAD v4.1: 3 of 1,614,112 alleles (0.00019%); highest among the groups gnomAD compares: South Asian, 0.0011%; no homozygotes.

Submission:

Labcorp Genetics (formerly Invitae), Labcorp
Classification: Uncertain significance for Methylcobalamin deficiency type cblE. Last evaluated: 2024-10-24. Review status: criteria provided, single submitter. Criteria: Invitae Variant Classification Sherloc (09022015). Collection method: clinical testing. Allele origin: germline.
Comment: This sequence change replaces valine, which is neutral and non-polar, with isoleucine, which is neutral and non-polar, at codon 672 of the MTRR protein (p.Val672Ile). This variant is present in population databases (rs748945898, gnomAD 0.003%). This variant has not been reported in the literature in individuals affected with MTRR-related conditions. Invitae Evidence Modeling of protein sequence and biophysical properties (such as structural, functional, and spatial information, amino acid conservation, physicochemical variation, residue mobility, and thermodynamic stability) indicates that this missense variant is not expected to disrupt MTRR protein function with a negative predictive value of 80%. In summary, the available evidence is currently insufficient to determine the role of this variant in disease. Therefore, it has been classified as a Variant of Uncertain Significance.

NM_002454.3(MTRR):c.2014G>A (p.Val672Ile)

Gene: MTRR (5-methyltetrahydrofolate-homocysteine methyltransferase reductase; plus strand). Cytogenetic location: 5p15.31.
Variant type: single nucleotide variant.
Coding change: c.2014G>A on transcript NM_002454.3 (MANE Select); coding-DNA position 2014, G replaced by A.
Protein change: p.Val672Ile; replaces valine 672 with isoleucine.
Molecular consequence: missense variant. On other transcripts: non-coding transcript variant (14).
Genome position (GRCh38, 1-based): chr5:7,899,975, G>A. VCF-style: chr5-7899975-G-A. GRCh37 (hg19) VCF-style: chr5-7900088-G-A.
Other names: c.2014G>A, p.Val672Ile (NM_001364440.2, NM_001364441.2, NM_001364442.2 and 1 more transcripts); short protein forms V672I.
Identifiers: ClinVar variation 3711264 (VCV003711264.2).
Genomic context (GRCh38, chr5:7,899,975, plus strand): 5'-GATGCAAAGAATATGGCCAAGGATGTACATGATGCCCTTGTGCAAATAATAAGCAAAGAG[G>A]TTGGAGTTGAAAAACTAGAAGCAATGAAAACCCTGGCCACTTTAAAAGAAGAAAAACGCT-3'
Protein context (NP_002445.2, residues 662-682): DALVQIISKE[Val672Ile]GVEKLEAMKT